The following is an entry in ClinVar:

NM_058195.4(CDKN2A):c.178C>A (p.Leu60Ile)

Gene: CDKN2A (cyclin dependent kinase inhibitor 2A; minus strand). Cytogenetic location: 9p21.3.
Variant type: single nucleotide variant.
Coding change: c.178C>A on transcript NM_058195.4 (MANE Plus Clinical); coding-DNA position 178, C replaced by A.
Protein change: p.Leu60Ile; replaces leucine 60 with isoleucine.
Molecular consequence: missense variant. On other transcripts: intron variant (1).
Genome position (GRCh38, 1-based): chr9:21,994,154, G>T on the plus strand (C>A on the coding strand, the complement: CDKN2A is on the minus strand). VCF-style: chr9-21994154-G-T. GRCh37 (hg19) VCF-style: chr9-21994153-G-T.
Other names: c.-4+667C>A (NM_001363763.2); short protein forms L60I.
Identifiers: ClinVar variation 1007699 (VCV001007699.7), dbSNP rs769257927, ClinGen allele CA373086792.

ClinVar aggregate classification (germline): Uncertain significance. Review status: criteria provided, multiple submitters, no conflicts (2 of 4 stars). 2 submissions from 2 submitters: Uncertain significance (2). Last evaluated 2025-11-25.

Conditions:
Familial melanoma. Also called: Hereditary melanoma; Hereditary cutaneous melanoma. Identifiers: Orphanet 618, MedGen C1512419, MONDO:0018961.
Hereditary cancer-predisposing syndrome. Also called: Neoplastic Syndromes, Hereditary; Tumor predisposition; Hereditary Cancer Syndrome; Hereditary neoplastic syndrome. Identifiers: Orphanet 140162, MedGen C0027672, MeSH D009386, MONDO:0015356.

gnomAD v4.1: 1 of 1,601,950 alleles (0.000062%); highest among the groups gnomAD compares: Non-Finnish European, 0.000085%; no homozygotes.

Submissions (2):

Ambry Genetics
Classification: Uncertain significance for Hereditary cancer-predisposing syndrome. Last evaluated: 2025-11-25. Review status: criteria provided, single submitter. Criteria: Ambry Variant Classification Scheme 2023. Collection method: clinical testing. Allele origin: germline.
Comment: The p.L60I variant (also known as c.178C>A), located in coding exon 1 of the CDKN2A (p14ARF) gene, results from a C to A substitution at nucleotide position 178. The leucine at codon 60 is replaced by isoleucine, an amino acid with highly similar properties. This amino acid position is poorly conserved in available vertebrate species. Based on the available evidence, the clinical significance of this variant remains unclear.

Labcorp Genetics (formerly Invitae), Labcorp
Classification: Uncertain significance for Familial melanoma. Last evaluated: 2021-07-14. Review status: criteria provided, single submitter. Criteria: Invitae Variant Classification Sherloc (09022015). Collection method: clinical testing. Allele origin: germline.